The following is an entry in ClinVar:

NM_001572.5(IRF7):c.1228T>G (p.Phe410Val)

Gene: IRF7 (interferon regulatory factor 7; minus strand). Cytogenetic location: 11p15.5.
Variant type: single nucleotide variant.
Coding change: c.1228T>G on transcript NM_001572.5 (MANE Select); coding-DNA position 1228, T replaced by G.
Protein change: p.Phe410Val; replaces phenylalanine 410 with valine.
Molecular consequence: missense variant.
Genome position (GRCh38, 1-based): chr11:613,215, A>C on the plus strand (T>G on the coding strand, the complement: IRF7 is on the minus strand). VCF-style: chr11-613215-A-C. GRCh37 (hg19) VCF-style: chr11-613215-A-C.
Other names: c.1228T>G, p.Phe410Val (LRG_1313t1); c.1141T>G, p.Phe381Val (NM_004029.4); c.1267T>G, p.Phe423Val (NM_004031.4); short protein forms F410V, F381V, F423V.
Identifiers: ClinVar variation 190237 (VCV000190237.7), dbSNP rs786205223, ClinGen allele CA199638.

ClinVar aggregate classification (germline): Conflicting classifications of pathogenicity. Review status: criteria provided, conflicting classifications (1 of 4 stars). 3 submissions from 3 submitters: Likely pathogenic (1); Uncertain significance (1). 1 of the submissions does not count toward it. Last evaluated 2023-08-30.

Conditions:
IRF7-related disorder. Also called: IRF7-related condition.
Immunodeficiency 39 (IMD39). Identifiers: Orphanet 574918, MedGen C4225358, MONDO:0014597, OMIM 616345.

Allele frequency attached by ClinVar (database versions not stated): gnomAD exomes below 0.00001; TOPMed below 0.00001.
gnomAD v4.1: 6 of 1,588,532 alleles (0.00038%); highest among the groups gnomAD compares: South Asian, 0.0011%; no homozygotes.

Submissions (3):

Blueprint Genetics
Classification: Likely pathogenic for IRF7-related disorders. Last evaluated: 2023-08-30. Review status: criteria provided, single submitter. Criteria: ACMG Guidelines, 2015. Collection method: clinical testing. Allele origin: germline. Affected: yes. Observed: 1 variant allele.

Labcorp Genetics (formerly Invitae), Labcorp
Classification: Uncertain significance for Immunodeficiency 39. Last evaluated: 2022-03-28. Review status: criteria provided, single submitter. Criteria: Invitae Variant Classification Sherloc (09022015). Collection method: clinical testing. Allele origin: germline.
Comment: Algorithms developed to predict the effect of missense changes on protein structure and function are either unavailable or do not agree on the potential impact of this missense change (SIFT: "Deleterious"; PolyPhen-2: "Probably Damaging"; Align-GVGD: "Class C0"). This sequence change replaces phenylalanine, which is neutral and non-polar, with valine, which is neutral and non-polar, at codon 423 of the IRF7 protein (p.Phe423Val). This variant is not present in population databases (gnomAD no frequency). This missense change has been observed in individual(s) with IRF7 deficiency (PMID: 25814066). This variant is also known as F410V. ClinVar contains an entry for this variant (Variation ID: 190237). Experimental studies have shown that this missense change affects IRF7 function (PMID: 25814066). In summary, the available evidence is currently insufficient to determine the role of this variant in disease. Therefore, it has been classified as a Variant of Uncertain Significance.

OMIM
Classification: risk factor for IMMUNODEFICIENCY 39, SUSCEPTIBILITY TO VIRAL INFECTIONS. Last evaluated: 2015-04-24. Review status: no assertion criteria provided. Collection method: literature only. Allele origin: germline. Not counted in ClinVar's aggregate classification.

Literature cited by the submitters: PubMed 25814066 (cited by Labcorp Genetics (formerly Invitae), Labcorp and OMIM); PubMed 32972995 (cited by OMIM).